The following is an entry in ClinVar:

ClinVar aggregate classification (germline): Uncertain significance (1 of 4 stars; one submission).

Conditions:
Microcephaly, normal intelligence and immunodeficiency (NBS). Also called: Nijmegen breakage syndrome; Microcephaly with normal intelligence immunodeficiency and lymphoreticular malignancies; Nonsyndromal microcephaly autosomal recessive with normal intelligence; Seemanova syndrome 2; IMMUNODEFICIENCY, MICROCEPHALY, AND CHROMOSOMAL INSTABILITY; BERLIN BREAKAGE SYNDROME. Identifiers: Orphanet 647, MedGen C0398791, MONDO:0009623, OMIM 251260.

gnomAD v4.1: 1 of 1,614,062 alleles (0.000062%); highest among the groups gnomAD compares: South Asian, 0.0011%; no homozygotes.

Submission:

Labcorp Genetics (formerly Invitae), Labcorp
Classification: Uncertain significance for Microcephaly, normal intelligence and immunodeficiency. Last evaluated: 2020-11-25. Review status: criteria provided, single submitter. Criteria: Invitae Variant Classification Sherloc (09022015). Collection method: clinical testing. Allele origin: germline.
Comment: In summary, the available evidence is currently insufficient to determine the role of this variant in disease. Therefore, it has been classified as a Variant of Uncertain Significance. Algorithms developed to predict the effect of missense changes on protein structure and function (SIFT, PolyPhen-2, Align-GVGD) all suggest that this variant is likely to be tolerated, but these predictions have not been confirmed by published functional studies and their clinical significance is uncertain. This variant has not been reported in the literature in individuals with NBN-related conditions. This variant is not present in population databases (ExAC no frequency). This sequence change replaces valine with leucine at codon 364 of the NBN protein (p.Val364Leu). The valine residue is highly conserved and there is a small physicochemical difference between valine and leucine.

NM_002485.5(NBN):c.1090G>T (p.Val364Leu)

Gene: NBN (nibrin; minus strand). Cytogenetic location: 8q21.3.
Variant type: single nucleotide variant.
Coding change: c.1090G>T on transcript NM_002485.5 (MANE Select); coding-DNA position 1090, G replaced by T.
Protein change: p.Val364Leu; replaces valine 364 with leucine.
Molecular consequence: missense variant.
Genome position (GRCh38, 1-based): chr8:89,958,759, C>A on the plus strand (G>T on the coding strand, the complement: NBN is on the minus strand). VCF-style: chr8-89958759-C-A. GRCh37 (hg19) VCF-style: chr8-90970987-C-A.
Other names: c.844G>T, p.Val282Leu (NM_001024688.3); short protein forms V282L, V364L.
Identifiers: ClinVar variation 1425880 (VCV001425880.8), dbSNP rs765403660, ClinGen allele CA371656632.